The following is an entry in ClinVar:

ClinVar aggregate classification (germline): Likely pathogenic (1 of 4 stars; one submission).

Conditions:
Dilated cardiomyopathy 1G (CMD1G). Identifiers: Orphanet 154, MedGen C1858763, MONDO:0011400, OMIM 604145.

Submission:

Department Of Genetics, Lifeline Super Speciality Hospital, Adoor.
Classification: Likely pathogenic for Dilated cardiomyopathy 1G. Review status: criteria provided, single submitter. Criteria: ACMG Guidelines, 2015. Collection method: clinical testing. Allele origin: germline. Inheritance: Autosomal dominant inheritance. Affected: yes. Observed: 1 variant allele, 1 heterozygote.
Comment: The identified variant is heterozygous c.75199G>T non-sense variant in the TTN gene, introducing a premature termination codon and predicted to result in a truncated protein or nonsense-mediated mRNA decay (PVS1). The variant is absent from major population databases including 1000 Genomes, gnomAD and TopMed (PM2). Loss of function mutations in TTN gene is an established disease mechanism and therefore , this variant is classified as likely pathogenic.

Literature cited by the submitters: PubMed 11846417; PubMed 16465475.

NM_001267550.2(TTN):c.75199G>T (p.Glu25067Ter)

Genes: TTN (titin; minus strand), TTN-AS1 (TTN antisense RNA 1; plus strand). Cytogenetic location: 2q31.2.
Variant type: single nucleotide variant.
Coding change: c.75199G>T on transcript NM_001267550.2 (MANE Select); coding-DNA position 75199, G replaced by T.
Protein change: p.Glu25067Ter; replaces glutamic acid 25067 with a stop codon.
Molecular consequence: nonsense.
Genome position (GRCh38, 1-based): chr2:178,570,933, C>A on the plus strand (G>T on the coding strand, the complement: TTN is on the minus strand). VCF-style: chr2-178570933-C-A. GRCh37 (hg19) VCF-style: chr2-179435660-C-A.
Other names: c.70276G>T, p.Glu23426Ter (NM_001256850.1); c.48004G>T, p.Glu16002Ter (NM_003319.4); c.67495G>T, p.Glu22499Ter (NM_133378.4); c.48379G>T, p.Glu16127Ter (NM_133432.3); c.48580G>T, p.Glu16194Ter (NM_133437.4); short protein forms E16002*, E16127*, E16194*, E22499*, E23426*, E25067*.
Identifiers: ClinVar variation 4857207 (VCV004857207.1).